The following is an entry in ClinVar:

ClinVar aggregate classification (germline): Uncertain significance (1 of 4 stars; one submission).

Conditions:
Neurofibromatosis, type 1 (NF1). Also called: VON RECKLINGHAUSEN DISEASE; Neurofibromatosis, type I; NEUROFIBROMATOSIS, TYPE I, SOMATIC; Peripheral type neurofibromatosis. Identifiers: Orphanet 636, MedGen C0027831, MONDO:0018975, OMIM 162200. Disease mechanism: loss of function.

Submission:

Labcorp Genetics (formerly Invitae), Labcorp
Classification: Uncertain significance for Neurofibromatosis, type 1. Last evaluated: 2023-08-11. Review status: criteria provided, single submitter. Criteria: Invitae Variant Classification Sherloc (09022015). Collection method: clinical testing. Allele origin: germline.
Comment: In summary, the available evidence is currently insufficient to determine the role of this variant in disease. Therefore, it has been classified as a Variant of Uncertain Significance. Advanced modeling of protein sequence and biophysical properties (such as structural, functional, and spatial information, amino acid conservation, physicochemical variation, residue mobility, and thermodynamic stability) performed at Invitae indicates that this missense variant is not expected to disrupt NF1 protein function. This variant has not been reported in the literature in individuals affected with NF1-related conditions. This variant is not present in population databases (gnomAD no frequency). This sequence change replaces lysine, which is basic and polar, with arginine, which is basic and polar, at codon 498 of the NF1 protein (p.Lys498Arg).

NM_001042492.3(NF1):c.1493A>G (p.Lys498Arg)

Gene: NF1 (neurofibromin 1; plus strand). Cytogenetic location: 17q11.2.
Variant type: single nucleotide variant.
Coding change: c.1493A>G on transcript NM_001042492.3 (MANE Select); coding-DNA position 1493, A replaced by G.
Protein change: p.Lys498Arg; replaces lysine 498 with arginine.
Molecular consequence: missense variant.
Genome position (GRCh38, 1-based): chr17:31,214,551, A>G. VCF-style: chr17-31214551-A-G. GRCh37 (hg19) VCF-style: chr17-29541569-A-G.
Other names: c.1493A>G, p.Lys498Arg (NM_000267.4, NM_001128147.3); short protein forms K498R.
Identifiers: ClinVar variation 2766971 (VCV002766971.3), dbSNP rs2143960140, ClinGen allele CA399001633.